The following is an entry in ClinVar:

NM_000083.3(CLCN1):c.378dup (p.Leu127fs)

Gene: CLCN1 (chloride voltage-gated channel 1; plus strand). Cytogenetic location: 7q34.
Variant type: Duplication.
Coding change: c.378dup on transcript NM_000083.3 (MANE Select); coding-DNA position 378, one base duplicated (G; older notation c.378dupG).
Protein change: p.Leu127fs; shifts the reading frame from leucine 127.
Molecular consequence: frameshift variant. On other transcripts: non-coding transcript variant (1).
Genome position (GRCh38, 1-based): chr7:143,320,740, G duplicated. VCF-style (leftmost placement, unchanged base first): chr7-143320739-T-TG. GRCh37 (hg19) VCF-style: chr7-143017832-T-TG.
Other names: c.378dup (NM_000083.2); c.378dupG (NM_000083.2); short protein forms L127fs.
Identifiers: ClinVar variation 451184 (VCV000451184.11), dbSNP rs1320040467, ClinGen allele CA658657734.
Genomic context (GRCh38, chr7:143,320,739, plus strand): 5'-TGGGACAGGTGGTGAGAAGAAAATTAGGGGAAGACGGGATCTTTCTGGTGCTTCTGGGAC[T>TG]GCTGATGGCTCTGGTCAGCTGGAGCATGGACTACGTCAGTGCCAAAAGCCTTCAGGGTAG-3'

ClinVar aggregate classification (germline): Pathogenic. Review status: criteria provided, multiple submitters, no conflicts (2 of 4 stars). 3 submissions from 3 submitters: Pathogenic (3). Last evaluated 2025-06-03.

Conditions:
Congenital myotonia, autosomal recessive form. Also called: myotonia congenita, autosomal recessive; BECKER DISEASE; Becker Generalized Myotonia. Identifiers: Orphanet 614, MedGen C0751360, MONDO:0009715, OMIM 255700.
Congenital myotonia, autosomal dominant form (THD). Also called: THOMSEN DISEASE; Myotonia congenita autosomal dominant. Identifiers: Orphanet 614, MedGen C2936781, MONDO:0008055, OMIM 160800.

Allele frequency attached by ClinVar (database versions not stated): TOPMed 0.00002.

Submissions (3):

Labcorp Genetics (formerly Invitae), Labcorp
Classification: Pathogenic for Congenital myotonia, autosomal recessive form; Congenital myotonia, autosomal dominant form. Last evaluated: 2025-06-03. Review status: criteria provided, single submitter. Criteria: Invitae Variant Classification Sherloc (09022015). Collection method: clinical testing. Allele origin: germline.
Comment: This sequence change creates a premature translational stop signal (p.Leu127Alafs*132) in the CLCN1 gene. It is expected to result in an absent or disrupted protein product. Loss-of-function variants in CLCN1 are known to be pathogenic (PMID: 17932099, 22094069, 23739125). This variant is not present in population databases (gnomAD no frequency). This premature translational stop signal has been observed in individual(s) with autosomal recessive myotonia congenita or Segawa syndrome (PMID: 28427807, 28600779). This variant is also known as s as c.378_379insG and p.L126fs. ClinVar contains an entry for this variant (Variation ID: 451184). For these reasons, this variant has been classified as Pathogenic.

GeneDx
Classification: Pathogenic. Last evaluated: 2025-03-04. Review status: criteria provided, single submitter. Criteria: GeneDx Variant Classification Process June 2021. Collection method: clinical testing. Allele origin: germline. Affected: yes.
Comment: Frameshift variant predicted to result in protein truncation or nonsense mediated decay in a gene for which loss of function is a known mechanism of disease; Not observed at significant frequency in large population cohorts (gnomAD); This variant is associated with the following publications: (PMID: 28427807, 28600779)

Laboratory of Medical Genetics, National & Kapodistrian University of Athens
Classification: Pathogenic for Congenital myotonia, autosomal recessive form. Last evaluated: 2024-02-20. Review status: criteria provided, single submitter. Criteria: ACMG Guidelines, 2015. Collection method: clinical testing. Allele origin: germline. Affected: yes.

Literature cited by the submitters: PubMed 17932099 (cited by Labcorp Genetics (formerly Invitae), Labcorp); PubMed 22094069 (cited by Labcorp Genetics (formerly Invitae), Labcorp); PubMed 23739125 (cited by Labcorp Genetics (formerly Invitae), Labcorp); PubMed 28427807 (cited by Labcorp Genetics (formerly Invitae), Labcorp); PubMed 28600779 (cited by Labcorp Genetics (formerly Invitae), Labcorp).